The following is an entry in ClinVar:

ClinVar aggregate classification (germline): Pathogenic (1 of 4 stars; one submission).

Conditions:
Dilated cardiomyopathy 1G (CMD1G). Identifiers: Orphanet 154, MedGen C1858763, MONDO:0011400, OMIM 604145.
Autosomal recessive limb-girdle muscular dystrophy type 2J (LGMDR10). Also called: Limb-girdle muscular dystrophy, type 2J; MUSCULAR DYSTROPHY, LIMB-GIRDLE, AUTOSOMAL RECESSIVE 10. Identifiers: Orphanet 140922, MedGen C1837342, MONDO:0012127, OMIM 608807.

Submission:

Labcorp Genetics (formerly Invitae), Labcorp
Classification: Pathogenic for Dilated cardiomyopathy 1G; Autosomal recessive limb-girdle muscular dystrophy type 2J. Last evaluated: 2024-11-04. Review status: criteria provided, single submitter. Criteria: Invitae Variant Classification Sherloc (09022015). Collection method: clinical testing. Allele origin: germline.
Comment: This sequence change affects a donor splice site in intron 161 of the TTN gene. It is expected to disrupt RNA splicing and likely results in a truncated or disrupted TTN protein. This variant is not present in population databases (gnomAD no frequency). Disruption of this splice site has been observed in individuals with clinical features of autosomal recessive congenital myopathy (PMID: 30365001; internal data). ClinVar contains an entry for this variant (Variation ID: 1516333). Algorithms developed to predict the effect of sequence changes on RNA splicing suggest that this variant may disrupt the consensus splice site. This variant is located in the I band of TTN (PMID: 25589632). Truncating variants in this region have been reported in individuals affected with autosomal recessive centronuclear myopathy (PMID: 23975875, internal data). Truncating variants in this region have also been identified in individuals affected with autosomal dominant dilated cardiomyopathy and/or cardio-related conditions (PMID: 27869827, 32964742, internal data). For these reasons, this variant has been classified as Pathogenic.

Literature cited by the submitters: PubMed 30365001; PubMed 25589632; PubMed 23975875; PubMed 27869827; PubMed 32964742.

NM_001267550.2(TTN):c.35713+2T>A

Gene: TTN (titin; minus strand). Cytogenetic location: 2q31.2.
Variant type: single nucleotide variant.
Coding change: c.35713+2T>A on transcript NM_001267550.2 (MANE Select); the canonical splice donor site of the intron after coding-DNA position 35713, T replaced by A.
Molecular consequence: splice donor variant. On other transcripts: intron variant (5).
Genome position (GRCh38, 1-based): chr2:178,667,440, A>T on the plus strand (T>A on the coding strand, the complement: TTN is on the minus strand). VCF-style: chr2-178667440-A-T. GRCh37 (hg19) VCF-style: chr2-179532167-A-T.
Other names: c.13658-25123T>A (NM_133432.3); c.31483+2778T>A (NM_133378.4); c.34264+2778T>A (NM_001256850.1); c.13283-25123T>A (NM_003319.4); c.13859-25123T>A (NM_133437.4).
Identifiers: ClinVar variation 1516333 (VCV001516333.6), dbSNP rs774814237, ClinGen allele CA349508846.